The following is an entry in ClinVar:

ClinVar aggregate classification (germline): Likely benign (1 of 4 stars; one submission).

Allele frequency attached by ClinVar (database versions not stated): gnomAD 0.00001; gnomAD exomes 0.00001; TOPMed 0.00001; ExAC 0.00004; ESP Exome Variant Server 0.00008.
gnomAD v4.1: 13 of 1,559,020 alleles (0.00083%); highest among the groups gnomAD compares: South Asian, 0.014%; no homozygotes.

Submission:

CeGaT Center for Human Genetics Tuebingen
Classification: Likely benign. Last evaluated: 2023-05-01. Review status: criteria provided, single submitter. Criteria: CeGaT Center For Human Genetics Tuebingen Variant Classification Criteria Version 2. Collection method: clinical testing. Allele origin: germline. Affected: yes. Observed: 1 variant allele.
Comment: HERC1: BP4, BP7

NM_003922.4(HERC1):c.2463A>G (p.Pro821=)

Gene: HERC1 (HECT and RLD domain containing E3 ubiquitin protein ligase family member 1; minus strand). Cytogenetic location: 15q22.31.
Variant type: single nucleotide variant.
Coding change: c.2463A>G on transcript NM_003922.4 (MANE Select); coding-DNA position 2463, A replaced by G.
Protein change: p.Pro821=; no amino-acid change (proline 821 retained).
Molecular consequence: synonymous variant.
Genome position (GRCh38, 1-based): chr15:63,746,975, T>C on the plus strand (A>G on the coding strand, the complement: HERC1 is on the minus strand). VCF-style: chr15-63746975-T-C. GRCh37 (hg19) VCF-style: chr15-64039174-T-C.
Identifiers: ClinVar variation 2570905 (VCV002570905.27), dbSNP rs372810110, ClinGen allele CA7606269.
Genomic context (GRCh38, chr15:63,746,975, plus strand): 5'-TACCTCTTGGATTTCATCTGGGACAGTTGAGTCCATCAGTCTGAAGAGCAAATTTCGAAG[T>C]GGACCTGCCTGCCTCCCGAGAATGCTGGTAGCTACCCCTCCCGCAAGTGCAAGAGCAAGG-3'
Protein context (NP_003913.3, residues 811-831): ATSILGRQAG[Pro821=]LRNLLFRLMD